The following is an entry in ClinVar:

ClinVar aggregate classification (germline): Uncertain significance. Review status: criteria provided, multiple submitters, no conflicts (2 of 4 stars). 4 submissions from 4 submitters: Uncertain significance (4). Last evaluated 2026-01-12.

Conditions:
Diffuse cerebral and cerebellar atrophy - intractable seizures - progressive microcephaly syndrome. Also called: Microcephaly, progressive, with seizures and cerebral and cerebellar atrophy. Identifiers: Orphanet 404437, MedGen C4014239, MONDO:0014335, OMIM 615760.
Inborn genetic diseases. Identifiers: MedGen C0950123, MeSH D030342.

Allele frequency attached by ClinVar (database versions not stated): ExAC 0.00002; gnomAD exomes 0.00002; TOPMed 0.00009; gnomAD 0.00013 and 0.00014.
gnomAD v4.1: 37 of 1,614,094 alleles (0.0023%); highest among the groups gnomAD compares: Admixed American, 0.053%; no homozygotes.

Submissions (4):

Labcorp Genetics (formerly Invitae), Labcorp
Classification: Uncertain significance for Diffuse cerebral and cerebellar atrophy - intractable seizures - progressive microcephaly syndrome. Last evaluated: 2026-01-12. Review status: criteria provided, single submitter. Criteria: Invitae Variant Classification Sherloc (09022015). Collection method: clinical testing. Allele origin: germline.
Comment: This sequence change replaces valine, which is neutral and non-polar, with alanine, which is neutral and non-polar, at codon 571 of the QARS protein (p.Val571Ala). This variant is present in population databases (rs755259427, gnomAD 0.02%). This variant has not been reported in the literature in individuals affected with QARS-related conditions. ClinVar contains an entry for this variant (Variation ID: 448152). Invitae Evidence Modeling of protein sequence and biophysical properties (such as structural, functional, and spatial information, amino acid conservation, physicochemical variation, residue mobility, and thermodynamic stability) has been performed for this missense variant. However, the output from this modeling did not meet the statistical confidence thresholds required to predict the impact of this variant on QARS protein function. In summary, the available evidence is currently insufficient to determine the role of this variant in disease. Therefore, it has been classified as a Variant of Uncertain Significance.

GeneDx
Classification: Uncertain significance. Last evaluated: 2025-08-20. Review status: criteria provided, single submitter. Criteria: GeneDx Variant Classification Process June 2021. Collection method: clinical testing. Allele origin: germline. Affected: yes.
Comment: In silico analysis supports that this missense variant has a deleterious effect on protein structure/function; Has not been previously published as pathogenic or benign to our knowledge; This variant is associated with the following publications: (PMID: 25471517)

Ambry Genetics
Classification: Uncertain significance for Inborn genetic diseases. Last evaluated: 2025-07-15. Review status: criteria provided, single submitter. Criteria: Ambry Variant Classification Scheme 2023. Collection method: clinical testing. Allele origin: germline.

Athena Diagnostics
Classification: Uncertain significance. Last evaluated: 2017-07-03. Review status: criteria provided, single submitter. Criteria: Athena Diagnostics Criteria. Collection method: clinical testing. Allele origin: germline.

NM_005051.3(QARS1):c.1712T>C (p.Val571Ala)

Gene: QARS1 (glutaminyl-tRNA synthetase 1; minus strand). Cytogenetic location: 3p21.31.
Variant type: single nucleotide variant.
Coding change: c.1712T>C on transcript NM_005051.3 (MANE Select); coding-DNA position 1712, T replaced by C.
Protein change: p.Val571Ala; replaces valine 571 with alanine.
Molecular consequence: missense variant. On other transcripts: non-coding transcript variant (1).
Genome position (GRCh38, 1-based): chr3:49,099,156, A>G on the plus strand (T>C on the coding strand, the complement: QARS1 is on the minus strand). VCF-style: chr3-49099156-A-G. GRCh37 (hg19) VCF-style: chr3-49136589-A-G.
Other names: c.1679T>C, p.Val560Ala (NM_001272073.2); short protein forms V571A, V560A.
Identifiers: ClinVar variation 448152 (VCV000448152.11), dbSNP rs755259427, ClinGen allele CA2391670.